The following is an entry in ClinVar:

NM_006031.6(PCNT):c.520A>G (p.Ile174Val)

Gene: PCNT (pericentrin; plus strand). Cytogenetic location: 21q22.3.
Variant type: single nucleotide variant.
Coding change: c.520A>G on transcript NM_006031.6 (MANE Select); coding-DNA position 520, A replaced by G.
Protein change: p.Ile174Val; replaces isoleucine 174 with valine.
Molecular consequence: missense variant.
Genome position (GRCh38, 1-based): chr21:46,334,649, A>G. VCF-style: chr21-46334649-A-G. GRCh37 (hg19) VCF-style: chr21-47754563-A-G.
Other names: p.I174V:ATC>GTC; c.166A>G, p.Ile56Val (NM_001315529.2); short protein forms I174V, I56V.
Identifiers: ClinVar variation 138613 (VCV000138613.19), dbSNP rs61735822, ClinGen allele CA173025.

ClinVar aggregate classification (germline): Benign. Review status: criteria provided, multiple submitters, no conflicts (2 of 4 stars). 7 submissions from 7 submitters: Benign (5). 2 of the submissions do not count toward it. Last evaluated 2026-02-04.

Conditions:
Microcephalic osteodysplastic primordial dwarfism type II (MOPD2). Also called: Microcephalic osteodysplastic primordial dwarfism with tooth abnormalities; OSTEODYSPLASTIC PRIMORDIAL DWARFISM, TYPE II; MOPD II. Identifiers: Orphanet 2637, MedGen C0432246, MONDO:0008872, OMIM 210720.

Allele frequency attached by ClinVar (database versions not stated): ExAC 0.03287; gnomAD exomes 0.03502 and 0.03221; gnomAD 0.03820 and 0.03881; ESP Exome Variant Server 0.04521; 1000 Genomes Project 30x 0.02514; 1000 Genomes Project 0.02516.
gnomAD v4.1: 55,625 of 1,568,000 alleles (3.5%); highest among the groups gnomAD compares: Middle Eastern, 7.9%; 1,546 homozygotes.

Submissions (7):

Labcorp Genetics (formerly Invitae), Labcorp
Classification: Benign. Last evaluated: 2026-02-04. Review status: criteria provided, single submitter. Criteria: Invitae Variant Classification Sherloc (09022015). Collection method: clinical testing. Allele origin: germline.

Illumina Laboratory Services, Illumina
Classification: Benign for Microcephalic osteodysplastic primordial dwarfism type II. Last evaluated: 2018-01-12. Review status: criteria provided, single submitter. Criteria: ICSL Variant Classification Criteria 13 December 2019. Collection method: clinical testing. Allele origin: germline.
Comment: This variant was observed in the ICSL laboratory as part of a predisposition screen in an ostensibly healthy population. It had not been previously curated by ICSL or reported in the Human Gene Mutation Database (HGMD: prior to June 1st, 2018), and was therefore a candidate for classification through an automated scoring system. Utilizing variant allele frequency, disease prevalence and penetrance estimates, and inheritance mode, an automated score was calculated to assess if this variant is too frequent to cause the disease. Based on the score and internal cut-off values, a variant classified as benign is not then subjected to further curation. The score for this variant resulted in a classification of benign for this disease.

GeneDx
Classification: Benign. Last evaluated: 2014-05-23. Review status: criteria provided, single submitter. Criteria: GeneDx Variant Classification (06012015). Collection method: clinical testing. Allele origin: germline. Affected: yes.
Comment: This variant is considered likely benign or benign based on one or more of the following criteria: it is a conservative change, it occurs at a poorly conserved position in the protein, it is predicted to be benign by multiple in silico algorithms, and/or has population frequency not consistent with disease.

Genetic Services Laboratory, University of Chicago
Classification: Benign. Last evaluated: 2013-02-08. Review status: criteria provided, single submitter. Criteria: ACMG Guidelines, 2007. Collection method: clinical testing. Allele origin: germline. Inheritance: Autosomal recessive inheritance.

Breakthrough Genomics
Classification: Benign. Review status: criteria provided, single submitter. Criteria: ACMG Guidelines, 2015. Collection method: not provided. Allele origin: germline. Inheritance: Autosomal recessive inheritance. Affected: yes.

Clinical Genetics DNA and cytogenetics Diagnostics Lab, Erasmus MC, Erasmus Medical Center
Classification: Benign. Review status: no assertion criteria provided. Collection method: clinical testing. Allele origin: germline. Affected: yes. Study: VKGL Data-share Consensus. Not counted in ClinVar's aggregate classification.

Laboratory of Diagnostic Genome Analysis, Leiden University Medical Center (LUMC)
Classification: Likely benign. Review status: no assertion criteria provided. Collection method: clinical testing. Allele origin: germline. Affected: yes. Study: VKGL Data-share Consensus. Not counted in ClinVar's aggregate classification.